The following is an entry in ClinVar:

ClinVar aggregate classification (germline): Likely pathogenic. Review status: criteria provided, multiple submitters, no conflicts (2 of 4 stars). 2 submissions from 2 submitters: Likely pathogenic (2). Last evaluated 2024-11-08.

Conditions:
Tyrosinemia type I (TYRSN1). Also called: Tyrosinemia type 1; Fumarylacetoacetase deficiency; Deficiency of fumarylacetoacetase; FAH DEFICIENCY; HEPATORENAL TYROSINEMIA. Identifiers: Orphanet 882, MedGen C0268490, MONDO:0010161, OMIM 276700. Disease mechanism: loss of function.

Allele frequency attached by ClinVar (database versions not stated): gnomAD exomes below 0.00001.
gnomAD v4.1: 3 of 1,609,304 alleles (0.00019%); highest among the groups gnomAD compares: Admixed American, 0.0017%; no homozygotes.

Submissions (2):

Women's Health and Genetics/Laboratory Corporation of America, LabCorp
Classification: Likely pathogenic for Tyrosinemia type I. Last evaluated: 2024-11-08. Review status: criteria provided, single submitter. Criteria: LabCorp Variant Classification Summary - May 2015. Collection method: clinical testing. Allele origin: germline.
Comment: Variant summary: FAH c.1028G>A (p.Gly343Glu) results in a non-conservative amino acid change located in the C-terminal domain (IPR011234) of the encoded protein sequence. Five of five in-silico tools predict a damaging effect of the variant on protein function. The variant allele was found at a frequency of 4e-06 in 247050 control chromosomes (gnomAD). c.1028G>A has been reported in the literature in at least one compound heterozygous individual affected with Tyrosinemia Type 1 (Hajji_2022). A different variant affecting the same codon has been classified as pathogenic by our lab (c.1027G>T, p.Gly343Trp), supporting the critical relevance of codon 343 to FAH protein function. To our knowledge, no experimental evidence demonstrating an impact on protein function has been reported. The following publication have been ascertained in the context of this evaluation (PMID: 36393896). ClinVar contains an entry for this variant (Variation ID: 2675349). Based on the evidence outlined above, the variant was classified as likely pathogenic.

Baylor Genetics
Classification: Likely pathogenic for Tyrosinemia type I. Last evaluated: 2023-10-06. Review status: criteria provided, single submitter. Criteria: ACMG Guidelines, 2015. Collection method: clinical testing. Allele origin: unknown.

Literature cited by the submitters: PubMed 36393896 (cited by Women's Health and Genetics/Laboratory Corporation of America, LabCorp).

NM_000137.4(FAH):c.1028G>A (p.Gly343Glu)

Gene: FAH (fumarylacetoacetate hydrolase; plus strand). Cytogenetic location: 15q25.1.
Variant type: single nucleotide variant.
Coding change: c.1028G>A on transcript NM_000137.4 (MANE Select); coding-DNA position 1028, G replaced by A.
Protein change: p.Gly343Glu; replaces glycine 343 with glutamic acid.
Molecular consequence: missense variant.
Genome position (GRCh38, 1-based): chr15:80,180,191, G>A. VCF-style: chr15-80180191-G-A. GRCh37 (hg19) VCF-style: chr15-80472533-G-A.
Other names: c.1028G>A, p.Gly343Glu (NM_001374377.1, NM_001374380.1); short protein forms G343E.
Identifiers: ClinVar variation 2675349 (VCV002675349.2), dbSNP rs1252692081, ClinGen allele CA393621786.